The following is an entry in ClinVar:

NM_080732.4(EGLN2):c.841A>C (p.Lys281Gln)

Genes: EGLN2 (egl-9 family hypoxia inducible factor 2; plus strand), RAB4B-EGLN2 (RAB4B-EGLN2 readthrough (NMD candidate); plus strand). Cytogenetic location: 19q13.2.
Variant type: single nucleotide variant.
Coding change: c.841A>C on transcript NM_080732.4 (MANE Select); coding-DNA position 841, A replaced by C.
Protein change: p.Lys281Gln; replaces lysine 281 with glutamine.
Molecular consequence: missense variant. On other transcripts: non-coding transcript variant (1).
Genome position (GRCh38, 1-based): chr19:40,801,413, A>C. VCF-style: chr19-40801413-A-C. GRCh37 (hg19) VCF-style: chr19-41307318-A-C.
Other names: c.841A>C, p.Lys281Gln (NM_053046.4); short protein forms K281Q.
Identifiers: ClinVar variation 1763303 (VCV001763303.2), dbSNP rs2515995875, ClinGen allele CA405956083.

ClinVar aggregate classification (germline): Uncertain significance (1 of 4 stars; one submission).

Submission:

Ambry Genetics
Classification: Uncertain significance. Last evaluated: 2021-12-11. Review status: criteria provided, single submitter. Criteria: Ambry Variant Classification Scheme 2023. Collection method: clinical testing. Allele origin: germline.
Comment: The p.K281Q variant (also known as c.841A>C), located in coding exon 1 of the EGLN2 gene, results from an A to C substitution at nucleotide position 841. The lysine at codon 281 is replaced by glutamine, an amino acid with similar properties. This amino acid position is conserved. In addition, the in silico prediction for this alteration is inconclusive. Since supporting evidence is limited at this time, the clinical significance of this alteration remains unclear.